The following is an entry in ClinVar:

ClinVar aggregate classification (germline): Uncertain significance (1 of 4 stars; one submission).

Conditions:
Basal ganglia calcification, idiopathic, 7, autosomal recessive. Also called: PRIMARY FAMILIAL BRAIN CALCIFICATION 7, AUTOSOMAL RECESSIVE. Identifiers: MedGen C5193025, MONDO:0032673, OMIM 618317.

Allele frequency attached by ClinVar (database versions not stated): gnomAD exomes below 0.00001; TOPMed 0.00001; gnomAD 0.00001.

Submission:

Victorian Clinical Genetics Services, Murdoch Childrens Research Institute
Classification: Uncertain significance for Basal ganglia calcification, idiopathic, 7, autosomal recessive. Last evaluated: 2021-05-06. Review status: criteria provided, single submitter. Criteria: ACMG Guidelines, 2015. Collection method: clinical testing. Allele origin: germline. Inheritance: Autosomal recessive inheritance. Affected: yes.
Comment: Based on the classification scheme VCGS_Germline_v1.3.4, this variant is classified as VUS-3A. Following criteria are met: 0102 - Loss of function is a known mechanism of disease in this gene and is associated with idiopathic basal ganglia calcification, 7 (MIM#618317). (I) 0106 - This gene is associated with autosomal recessive disease. (I) 0115 - Variants in this gene are known to have variable expressivity, where both intra- and interfamilial variability has been reported (PMID: 32211515). (I) 0200 - Variant is predicted to result in a missense amino acid change from tyrosine to histidine. (I) 0251 - This variant is heterozygous. (I) 0304 - Variant is present in gnomAD (v3) <0.01 for a recessive condition (1 heterozygote, 0 homozygotes). (SP) 0502 - Missense variant with conflicting in silico predictions and uninformative conservation. (I) 0604 - Variant is not located in an established domain, motif, hotspot or informative constraint region. (I) 0705 - No comparable missense variants have previous evidence for pathogenicity. (I) 0807 - This variant has no previous evidence of pathogenicity. (I) 0905 - No published segregation evidence has been identified for this variant. (I) 1007 - No published functional evidence has been identified for this variant. (I) 1102 - Strong phenotype match for this individual. (SP) 1208 - Inheritance information for this variant is not currently available in this individual. (I) Legend: (SP) - Supporting pathogenic, (I) - Information, (SB) - Supporting benign

Literature cited by the submitters: PubMed 32211515.

NM_020702.5(MYORG):c.841T>C (p.Tyr281His)

Gene: MYORG (myogenesis regulating glycosidase; minus strand). Cytogenetic location: 9p13.3.
Variant type: single nucleotide variant.
Coding change: c.841T>C on transcript NM_020702.5 (MANE Select); coding-DNA position 841, T replaced by C.
Protein change: p.Tyr281His; replaces tyrosine 281 with histidine.
Molecular consequence: missense variant.
Genome position (GRCh38, 1-based): chr9:34,372,103, A>G on the plus strand (T>C on the coding strand, the complement: MYORG is on the minus strand). VCF-style: chr9-34372103-A-G. GRCh37 (hg19) VCF-style: chr9-34372101-A-G.
Other names: short protein forms Y281H.
Identifiers: ClinVar variation 1806200 (VCV001806200.1), dbSNP rs940013327, ClinGen allele CA192625451.